The following is an entry in ClinVar:

NM_001267550.2(TTN):c.62424C>T (p.Asp20808=)

Genes: TTN (titin; minus strand), TTN-AS1 (TTN antisense RNA 1; plus strand). Cytogenetic location: 2q31.2.
Variant type: single nucleotide variant.
Coding change: c.62424C>T on transcript NM_001267550.2 (MANE Select); coding-DNA position 62424, C replaced by T.
Protein change: p.Asp20808=; no amino-acid change (aspartic acid 20808 retained).
Molecular consequence: synonymous variant.
Genome position (GRCh38, 1-based): chr2:178,589,301, G>A on the plus strand (C>T on the coding strand, the complement: TTN is on the minus strand). VCF-style: chr2-178589301-G-A. GRCh37 (hg19) VCF-style: chr2-179454028-G-A.
Other names: p.Asp19167=; c.57501C>T, p.Asp19167= (NM_001256850.1); c.35229C>T, p.Asp11743= (NM_003319.4); c.54720C>T, p.Asp18240= (NM_133378.4); c.35604C>T, p.Asp11868= (NM_133432.3); c.35805C>T, p.Asp11935= (NM_133437.4).
Identifiers: ClinVar variation 263610 (VCV000263610.39), dbSNP rs374472044, ClinGen allele CA1992230.
Genomic context (GRCh38, chr2:178,589,301, plus strand): 5'-TTTAGATGAATCAGCACGGGTATCAATCTTGACCCTTGGTGATCTTGTTAAGTCTGTAGC[G>A]TCTTTGTCCTTGGTCCATGCAACTTCTGGGAATGGTTTGCCTCTAACCCCTGCCTCAAGC-3'
Protein context (NP_001254479.2, residues 20798-20818): FPEVAWTKDK[Asp20808=]ATDLTRSPRV

ClinVar aggregate classification (germline): Conflicting classifications of pathogenicity. Review status: criteria provided, conflicting classifications (1 of 4 stars). 11 submissions from 11 submitters: Uncertain significance (1); Likely benign (8). 2 of the submissions do not count toward it. Last evaluated 2026-01-14.

Conditions:
Cardiovascular phenotype. Identifiers: MedGen CN230736.
Autosomal recessive limb-girdle muscular dystrophy type 2J (LGMDR10). Also called: MUSCULAR DYSTROPHY, LIMB-GIRDLE, AUTOSOMAL RECESSIVE 10; Limb-girdle muscular dystrophy, type 2J. Identifiers: Orphanet 140922, MedGen C1837342, MONDO:0012127, OMIM 608807.
Dilated cardiomyopathy 1G (CMD1G). Identifiers: Orphanet 154, MedGen C1858763, MONDO:0011400, OMIM 604145.
TTN-related disorder. Also called: TTN-related condition; TTN-related disease; TTN-related disorders.
Cardiomyopathy (CMYO). Also called: Cardiomyopathies. Identifiers: Orphanet 167848, MedGen C0878544, MONDO:0004994, HP:0001638. Inheritance: Various modes of inheritance.

Allele frequency attached by ClinVar (database versions not stated): gnomAD exomes 0.00008 and 0.00009; ExAC 0.00011; gnomAD 0.00020 and 0.00021; ESP Exome Variant Server 0.00025; TOPMed 0.00028.
gnomAD v4.1: 160 of 1,613,042 alleles (0.0099%); highest among the groups gnomAD compares: African/African-American, 0.035%; no homozygotes.

Submissions (11):

Labcorp Genetics (formerly Invitae), Labcorp
Classification: Likely benign for Dilated cardiomyopathy 1G; Autosomal recessive limb-girdle muscular dystrophy type 2J. Last evaluated: 2026-01-14. Review status: criteria provided, single submitter. Criteria: Invitae Variant Classification Sherloc (09022015). Collection method: clinical testing. Allele origin: germline.

PreventionGenetics, part of Exact Sciences
Classification: Likely benign for TTN-related condition. Last evaluated: 2025-04-24. Review status: criteria provided, single submitter. Criteria: ACMG Guidelines, 2015. Collection method: clinical testing. Allele origin: germline.
Comment: This variant is classified as likely benign based on ACMG/AMP sequence variant interpretation guidelines (Richards et al. 2015 PMID: 25741868, with internal and published modifications).

Molecular Diagnostic Laboratory for Inherited Cardiovascular Disease, Montreal Heart Institute
Classification: Likely benign. Last evaluated: 2025-04-09. Review status: criteria provided, single submitter. Criteria: ACMG Guidelines, 2015. Collection method: clinical testing. Allele origin: germline. Affected: no.

Mayo Clinic Laboratories, Mayo Clinic
Classification: Likely benign. Last evaluated: 2024-10-21. Review status: criteria provided, single submitter. Criteria: ACMG Guidelines, 2015. Collection method: clinical testing. Allele origin: germline. Observed: 3 variant alleles.
Comment: BP4, BP7

Blueprint Genetics
Classification: Likely benign. Last evaluated: 2024-09-21. Review status: criteria provided, single submitter. Criteria: ACMG Guidelines, 2015. Collection method: clinical testing. Allele origin: germline.

CHEO Genetics Diagnostic Laboratory, Children's Hospital of Eastern Ontario
Classification: Likely benign for Cardiomyopathy. Last evaluated: 2022-04-05. Review status: criteria provided, single submitter. Criteria: ACMG Guidelines, 2015. Collection method: clinical testing. Allele origin: germline.

GeneDx
Classification: Likely benign. Last evaluated: 2020-12-15. Review status: criteria provided, single submitter. Criteria: GeneDx Variant Classification Process June 2021. Collection method: clinical testing. Allele origin: germline. Affected: yes.

Eurofins Ntd Llc (ga)
Classification: Uncertain significance. Last evaluated: 2016-11-15. Review status: criteria provided, single submitter. Criteria: EGL Classification Definitions 2015. Collection method: clinical testing. Allele origin: germline. Observed: 3 variant alleles, 3 heterozygotes.

Ambry Genetics
Classification: Likely benign for Cardiovascular phenotype. Last evaluated: 2013-04-29. Review status: criteria provided, single submitter. Criteria: Ambry Autosomal Dominant and X-Linked criteria (10/2015). Collection method: clinical testing. Allele origin: germline. Observed: 1 variant allele.

Clinical Genetics DNA and cytogenetics Diagnostics Lab, Erasmus MC, Erasmus Medical Center
Classification: Likely benign. Review status: no assertion criteria provided. Collection method: clinical testing. Allele origin: germline. Affected: yes. Study: VKGL Data-share Consensus. Not counted in ClinVar's aggregate classification.

Joint Genome Diagnostic Labs from Nijmegen and Maastricht, Radboudumc and MUMC+
Classification: Likely benign. Review status: no assertion criteria provided. Collection method: clinical testing. Allele origin: germline. Affected: yes. Study: VKGL Data-share Consensus. Not counted in ClinVar's aggregate classification.